The following is an entry in ClinVar:

ClinVar aggregate classification (germline): Uncertain significance (1 of 4 stars; one submission).

Conditions:
Autosomal dominant nocturnal frontal lobe epilepsy 5. Also called: CILIARY DYSKINESIA, PRIMARY, 28, WITHOUT SITUS INVERSUS; CILIARY DYSKINESIA, PRIMARY, 28, WITH SITUS INVERSUS; Epilepsy, nocturnal frontal lobe, 5; KCNT1-Related Epilepsy. Identifiers: Orphanet 98784, MedGen C3554306, MONDO:0014002, OMIM 615005.
Developmental and epileptic encephalopathy, 14 (DEE14). Also called: Early infantile epileptic encephalopathy 14. Identifiers: Orphanet 293181, MedGen C3554195, MONDO:0013989, OMIM 614959.

gnomAD v4.1: 3 of 1,613,664 alleles (0.00019%); highest among the groups gnomAD compares: South Asian, 0.0033%; no homozygotes.

Submission:

Labcorp Genetics (formerly Invitae), Labcorp
Classification: Uncertain significance for Autosomal dominant nocturnal frontal lobe epilepsy 5; Developmental and epileptic encephalopathy, 14. Last evaluated: 2025-02-03. Review status: criteria provided, single submitter. Criteria: Invitae Variant Classification Sherloc (09022015). Collection method: clinical testing. Allele origin: germline.
Comment: This sequence change replaces serine, which is neutral and polar, with arginine, which is basic and polar, at codon 1193 of the KCNT1 protein (p.Ser1193Arg). This variant is not present in population databases (gnomAD no frequency). This variant has not been reported in the literature in individuals affected with KCNT1-related conditions. ClinVar contains an entry for this variant (Variation ID: 2413436). Invitae Evidence Modeling of protein sequence and biophysical properties (such as structural, functional, and spatial information, amino acid conservation, physicochemical variation, residue mobility, and thermodynamic stability) indicates that this missense variant is not expected to disrupt KCNT1 protein function with a negative predictive value of 80%. In summary, the available evidence is currently insufficient to determine the role of this variant in disease. Therefore, it has been classified as a Variant of Uncertain Significance.

NM_020822.3(KCNT1):c.3579T>G (p.Ser1193Arg)

Gene: KCNT1 (potassium sodium-activated channel subfamily T member 1; plus strand). Cytogenetic location: 9q34.3.
Variant type: single nucleotide variant.
Coding change: c.3579T>G on transcript NM_020822.3 (MANE Select); coding-DNA position 3579, T replaced by G.
Protein change: p.Ser1193Arg; replaces serine 1193 with arginine.
Molecular consequence: missense variant.
Genome position (GRCh38, 1-based): chr9:135,791,873, T>G. VCF-style: chr9-135791873-T-G. GRCh37 (hg19) VCF-style: chr9-138683719-T-G.
Other names: c.3507T>G, p.Ser1169Arg (NM_001272003.2); short protein forms S1169R, S1193R.
Identifiers: ClinVar variation 2413436 (VCV002413436.8), dbSNP rs142340167, ClinGen allele CA375494077.